The following is an entry in ClinVar:

NM_000179.3(MSH6):c.3646G>C (p.Gly1216Arg)

Gene: MSH6 (mutS homolog 6; plus strand). Cytogenetic location: 2p16.3.
Variant type: single nucleotide variant.
Coding change: c.3646G>C on transcript NM_000179.3 (MANE Select); coding-DNA position 3646, G replaced by C.
Protein change: p.Gly1216Arg; replaces glycine 1216 with arginine.
Molecular consequence: missense variant.
Genome position (GRCh38, 1-based): chr2:47,805,707, G>C. VCF-style: chr2-47805707-G-C. GRCh37 (hg19) VCF-style: chr2-48032846-G-C.
Other names: c.3256G>C, p.Gly1086Arg (NM_001281492.2); c.2740G>C, p.Gly914Arg (NM_001281493.2, NM_001281494.2); short protein forms G914R, G1216R, G1086R.
Identifiers: ClinVar variation 801704 (VCV000801704.5), dbSNP rs1114167690, ClinGen allele CA346760636.
Genomic context (GRCh38, chr2:47,805,707, plus strand): 5'-GAAACTGCCAGCATACTCATGCATGCAACAGCACATTCTCTGGTGCTTGTGGATGAATTA[G>C]GTAAGACATTAAACTTCTCATTTGAAGACTATCTATCTTAAAAACATTTGTACAAATAAC-3'
Protein context (NP_000170.1, residues 1206-1226): AHSLVLVDEL[Gly1216Arg]RGTATFDGTA

ClinVar aggregate classification (germline): Conflicting classifications of pathogenicity. Review status: criteria provided, conflicting classifications (1 of 4 stars). 3 submissions from 3 submitters: Likely pathogenic (1); Uncertain significance (2). Last evaluated 2026-08-28.

Conditions:
Lynch syndrome 5 (LYNCH5). Also called: Colorectal cancer, hereditary nonpolyposis, type 5; Hereditary non-polyposis colorectal cancer, type 5. Identifiers: Orphanet 144, MedGen C1833477, MONDO:0013710, OMIM 614350. Disease mechanism: loss of function.
Endometrial carcinoma. Also called: Endometrial carcinoma, somatic. Identifiers: MedGen C0476089, MONDO:0002447, OMIM 608089, HP:0012114.
Hereditary cancer-predisposing syndrome. Also called: Tumor predisposition; Hereditary Cancer Syndrome; Neoplastic Syndromes, Hereditary; Hereditary neoplastic syndrome. Identifiers: Orphanet 140162, MedGen C0027672, MeSH D009386, MONDO:0015356.

Submissions (3):

Ambry Genetics
Classification: Uncertain significance for Hereditary cancer-predisposing syndrome. Last evaluated: 2026-08-28. Review status: criteria provided, single submitter. Criteria: Ambry Variant Classification Scheme 2023. Collection method: clinical testing. Allele origin: germline.
Comment: The c.3646G>C variant (also known as p.G1216R), located in coding exon 7 of the MSH6 gene, results from a G to C substitution at nucleotide position 3646. The amino acid change results in glycine to arginine at codon 1216, an amino acid with dissimilar properties. However, this change occurs in the last base pair of coding exon 7, which makes it likely to have some effect on normal mRNA splicing. This nucleotide position is highly conserved in available vertebrate species. This amino acid position is highly conserved in available vertebrate species. In silico splice site analysis predicts that this alteration will not have any significant effect on splicing. In addition, as a missense variant, this alteration is predicted to be deleterious by in silico analysis. Based on the available evidence, the clinical significance of this variant remains unclear.

Baylor Genetics
Classification: Uncertain significance for Endometrial carcinoma. Last evaluated: 2023-05-11. Review status: criteria provided, single submitter. Criteria: ACMG Guidelines, 2015. Collection method: clinical testing. Allele origin: unknown.

Mendelics
Classification: Likely pathogenic for Lynch syndrome 5. Last evaluated: 2019-05-28. Review status: criteria provided, single submitter. Criteria: Mendelics Assertion Criteria 2017. Collection method: clinical testing. Allele origin: unknown.